The following is an entry in ClinVar:

ClinVar aggregate classification (germline): Uncertain significance (1 of 4 stars; one submission).

Allele frequency attached by ClinVar (database versions not stated): ExAC 0.00001; gnomAD 0.00003; TOPMed 0.00004.
gnomAD v4.1: 41 of 1,613,432 alleles (0.0025%); highest among the groups gnomAD compares: Middle Eastern, 0.033%; no homozygotes.

Submission:

Labcorp Genetics (formerly Invitae), Labcorp
Classification: Uncertain significance. Last evaluated: 2022-07-22. Review status: criteria provided, single submitter. Criteria: Invitae Variant Classification Sherloc (09022015). Collection method: clinical testing. Allele origin: germline.
Comment: This sequence change replaces serine, which is neutral and polar, with alanine, which is neutral and non-polar, at codon 1117 of the NRIP1 protein (p.Ser1117Ala). This variant is present in population databases (rs751229187, gnomAD 0.004%). In summary, the available evidence is currently insufficient to determine the role of this variant in disease. Therefore, it has been classified as a Variant of Uncertain Significance. Algorithms developed to predict the effect of missense changes on protein structure and function output the following: SIFT: "Tolerated"; PolyPhen-2: "Benign"; Align-GVGD: "Class C0". The alanine amino acid residue is found in multiple mammalian species, which suggests that this missense change does not adversely affect protein function. This variant has not been reported in the literature in individuals affected with NRIP1-related conditions.

NM_003489.4(NRIP1):c.3349T>G (p.Ser1117Ala)

Gene: NRIP1 (nuclear receptor interacting protein 1; minus strand). Cytogenetic location: 21q11.2.
Variant type: single nucleotide variant.
Coding change: c.3349T>G on transcript NM_003489.4 (MANE Select); coding-DNA position 3349, T replaced by G.
Protein change: p.Ser1117Ala; replaces serine 1117 with alanine.
Molecular consequence: missense variant.
Genome position (GRCh38, 1-based): chr21:14,964,844, A>C on the plus strand (T>G on the coding strand, the complement: NRIP1 is on the minus strand). VCF-style: chr21-14964844-A-C. GRCh37 (hg19) VCF-style: chr21-16337165-A-C.
Other names: short protein forms S1117A.
Identifiers: ClinVar variation 1981189 (VCV001981189.4), dbSNP rs751229187, ClinGen allele CA9980977.